The following is an entry in ClinVar:

NM_013275.6(ANKRD11):c.7032C>G (p.Leu2344=)

Gene: ANKRD11 (ankyrin repeat domain 11; minus strand). Cytogenetic location: 16q24.3.
Variant type: single nucleotide variant.
Coding change: c.7032C>G on transcript NM_013275.6 (MANE Select); coding-DNA position 7032, C replaced by G.
Protein change: p.Leu2344=; no amino-acid change (leucine 2344 retained).
Molecular consequence: synonymous variant.
Genome position (GRCh38, 1-based): chr16:89,279,510, G>C on the plus strand (C>G on the coding strand, the complement: ANKRD11 is on the minus strand). VCF-style: chr16-89279510-G-C. GRCh37 (hg19) VCF-style: chr16-89345918-G-C.
Other names: c.7032C>G, p.Leu2344= (NM_001256182.2, NM_001256183.2).
Identifiers: ClinVar variation 722991 (VCV000722991.14), dbSNP rs533765590, ClinGen allele CA8241301.

ClinVar aggregate classification (germline): Likely benign. Review status: criteria provided, multiple submitters, no conflicts (2 of 4 stars). 3 submissions from 3 submitters: Likely benign (2). 1 of the submissions does not count toward it. Last evaluated 2021-01-06.

Conditions:
Inborn genetic diseases. Identifiers: MedGen C0950123, MeSH D030342.
KBG syndrome (KBGS). Also called: ANKRD11-Related KBG Syndrome. Identifiers: Orphanet 2332, MedGen C0220687, MONDO:0007846, OMIM 148050.
ANKRD11-related disorder. Also called: ANKRD11-related condition.

Allele frequency attached by ClinVar (database versions not stated): ExAC below 0.00001; TOPMed 0.00010.
gnomAD v4.1: 28 of 1,364,692 alleles (0.0021%); highest among the groups gnomAD compares: African/African-American, 0.03%; no homozygotes.

Submissions (3):

Labcorp Genetics (formerly Invitae), Labcorp
Classification: Likely benign for KBG syndrome. Last evaluated: 2021-01-06. Review status: criteria provided, single submitter. Criteria: Invitae Variant Classification Sherloc (09022015). Collection method: clinical testing. Allele origin: germline.

Ambry Genetics
Classification: Likely benign for Inborn genetic diseases. Last evaluated: 2020-03-09. Review status: criteria provided, single submitter. Criteria: Ambry Variant Classification Scheme 2023. Collection method: clinical testing. Allele origin: germline.

PreventionGenetics, part of Exact Sciences
Classification: Likely benign for ANKRD11-related condition. Last evaluated: 2019-02-18. Review status: no assertion criteria provided. Collection method: clinical testing. Allele origin: germline. Not counted in ClinVar's aggregate classification.
Comment: This variant is classified as likely benign based on ACMG/AMP sequence variant interpretation guidelines (Richards et al. 2015 PMID: 25741868, with internal and published modifications).